The following is an entry in ClinVar:

ClinVar aggregate classification (germline): Uncertain significance. Review status: criteria provided, multiple submitters, no conflicts (2 of 4 stars). 2 submissions from 2 submitters: Uncertain significance (2). Last evaluated 2025-03-12.

Conditions:
Inborn genetic diseases. Identifiers: MedGen C0950123, MeSH D030342.

Submissions (2):

GeneDx
Classification: Uncertain significance. Last evaluated: 2025-03-12. Review status: criteria provided, single submitter. Criteria: GeneDx Variant Classification Process June 2021. Collection method: clinical testing. Allele origin: germline. Affected: yes.
Comment: Not observed at significant frequency in large population cohorts (gnomAD); In silico analysis supports that this missense variant has a deleterious effect on protein structure/function; Has not been previously published as pathogenic or benign to our knowledge

Ambry Genetics
Classification: Uncertain significance for Inborn genetic diseases. Last evaluated: 2024-09-03. Review status: criteria provided, single submitter. Criteria: Ambry Variant Classification Scheme 2023. Collection method: clinical testing. Allele origin: germline.

NM_001365999.1(SZT2):c.3322C>G (p.Pro1108Ala)

Gene: SZT2 (SZT2 subunit of KICSTOR complex; plus strand). Cytogenetic location: 1p34.2.
Variant type: single nucleotide variant.
Coding change: c.3322C>G on transcript NM_001365999.1 (MANE Select); coding-DNA position 3322, C replaced by G.
Protein change: p.Pro1108Ala; replaces proline 1108 with alanine.
Molecular consequence: missense variant.
Genome position (GRCh38, 1-based): chr1:43,427,068, C>G. VCF-style: chr1-43427068-C-G. GRCh37 (hg19) VCF-style: chr1-43892739-C-G.
Other names: c.3151C>G, p.Pro1051Ala (NM_015284.4); short protein forms P1051A, P1108A.
Identifiers: ClinVar variation 3452344 (VCV003452344.2).